The following is an entry in ClinVar:

ClinVar aggregate classification (germline): Uncertain significance (1 of 4 stars; one submission).

Conditions:
X-linked Emery-Dreifuss muscular dystrophy. Also called: Muscular dystrophy, tardive Emery-Dreifuss type, with contractures. Identifiers: Orphanet 261, Orphanet 98863, MedGen C0751337, MONDO:0010680.

Submission:

Labcorp Genetics (formerly Invitae), Labcorp
Classification: Uncertain significance for X-linked Emery-Dreifuss muscular dystrophy. Last evaluated: 2022-11-22. Review status: criteria provided, single submitter. Criteria: Invitae Variant Classification Sherloc (09022015). Collection method: clinical testing. Allele origin: germline.
Comment: In summary, the available evidence is currently insufficient to determine the role of this variant in disease. Therefore, it has been classified as a Variant of Uncertain Significance. Experimental studies and prediction algorithms are not available or were not evaluated, and the functional significance of this variant is currently unknown. This variant has not been reported in the literature in individuals affected with EMD-related conditions. This variant is not present in population databases (gnomAD no frequency). This variant, c.171_173del, results in the deletion of 1 amino acid(s) of the EMD protein (p.Ser58del), but otherwise preserves the integrity of the reading frame.

NM_000117.3(EMD):c.168CTC[1] (p.Ser58del)

Gene: EMD (emerin; plus strand). Cytogenetic location: Xq28.
Variant type: Microsatellite.
Coding change: c.168CTC[1] on transcript NM_000117.3 (MANE Select); one copy of the 3-base unit CTC starting at c.168; the reference has two copies in a row; one copy, 3 bases deleted.
Protein change: p.Ser58del; deletes serine 58.
Molecular consequence: inframe deletion.
Genome position (GRCh38, 1-based): chrX:154,379,778-154,379,780, CTC deleted; deleting any 3 consecutive bases within chrX:154,379,774-154,379,780 gives the same sequence; the position shown is the placement nearest the transcript's 3' end. VCF-style (leftmost placement, unchanged base first): chrX-154379773-GCCT-G. GRCh37 (hg19) VCF-style: chrX-153608133-GCCT-G.
Other names: short protein forms S58del.
Identifiers: ClinVar variation 3013793 (VCV003013793.3), dbSNP rs2522787737, ClinGen allele CA2579738461.
Genomic context (GRCh38, chrX:154,379,773, plus strand): 5'-AAGAAGATCTTCGAGTACGAGACCCAGAGGCGGCGGCTCTCGCCCCCCAGCTCGTCCGCC[GCCT>G]CCTCTTATAGCTTCTCTGGTGAGAGCCTCGCCTGTGGGGACAGCCTGGGACGCGGGGAGG-3'